The following is an entry in ClinVar:

NM_022489.4(INF2):c.2885A>C (p.Lys962Thr)

Gene: INF2 (inverted formin 2; plus strand). Cytogenetic location: 14q32.33.
Variant type: single nucleotide variant.
Coding change: c.2885A>C on transcript NM_022489.4 (MANE Select); coding-DNA position 2885, A replaced by C.
Protein change: p.Lys962Thr; replaces lysine 962 with threonine.
Molecular consequence: missense variant.
Genome position (GRCh38, 1-based): chr14:104,713,451, A>C. VCF-style: chr14-104713451-A-C. GRCh37 (hg19) VCF-style: chr14-105179788-A-C.
Other names: c.2885A>C, p.Lys962Thr (NM_001031714.4); short protein forms K962T.
Identifiers: ClinVar variation 439827 (VCV000439827.23), dbSNP rs376067427, ClinGen allele CA7373121.

ClinVar aggregate classification (germline): Conflicting classifications of pathogenicity. Review status: criteria provided, conflicting classifications (1 of 4 stars). 5 submissions from 5 submitters: Uncertain significance (1); Benign (1); Likely benign (3). Last evaluated 2025-10-14.

Conditions:
INF2-related disorder. Also called: INF2-related condition.
Inborn genetic diseases. Identifiers: MedGen C0950123, MeSH D030342.
Charcot-Marie-Tooth disease dominant intermediate E. Also called: CHARCOT-MARIE-TOOTH NEUROPATHY WITH FOCAL SEGMENTAL GLOMERULONEPHRITIS. Identifiers: Orphanet 93114, MedGen C4302667, MONDO:0013758, OMIM 614455.
Focal segmental glomerulosclerosis 5 (FSGS5). Identifiers: Orphanet 656, MedGen C2750475, MONDO:0013191, OMIM 613237.

Allele frequency attached by ClinVar (database versions not stated): TOPMed 0.00018; gnomAD 0.00023; ESP Exome Variant Server 0.00024.
gnomAD v4.1: 685 of 1,610,352 alleles (0.043%); highest among the groups gnomAD compares: Non-Finnish European, 0.053%; no homozygotes.

Submissions (5):

Labcorp Genetics (formerly Invitae), Labcorp
Classification: Likely benign for Charcot-Marie-Tooth disease dominant intermediate E; Focal segmental glomerulosclerosis 5. Last evaluated: 2025-10-14. Review status: criteria provided, single submitter. Criteria: Invitae Variant Classification Sherloc (09022015). Collection method: clinical testing. Allele origin: germline.

PreventionGenetics, part of Exact Sciences
Classification: Likely benign for INF2-related condition. Last evaluated: 2025-07-30. Review status: criteria provided, single submitter. Criteria: ACMG Guidelines, 2015. Collection method: clinical testing. Allele origin: germline.
Comment: This variant is classified as likely benign based on ACMG/AMP sequence variant interpretation guidelines (Richards et al. 2015 PMID: 25741868, with internal and published modifications).

Ambry Genetics
Classification: Likely benign for Inborn genetic diseases. Last evaluated: 2021-08-06. Review status: criteria provided, single submitter. Criteria: Ambry Variant Classification Scheme 2023. Collection method: clinical testing. Allele origin: germline.

ARUP Laboratories, Molecular Genetics and Genomics, ARUP Laboratories
Classification: Uncertain significance. Last evaluated: 2020-03-06. Review status: criteria provided, single submitter. Criteria: ARUP Molecular Germline Variant Investigation Process. Collection method: clinical testing. Allele origin: germline.
Comment: The INF2 c.2885A>C; p.Lys962Thr variant (rs376067427), to our knowledge, is not reported in the medical literature but is reported in ClinVar (Variation ID: 439827). This variant is found in the non-Finnish European population with an overall allele frequency of 0.03% (36/124886 alleles) in the Genome Aggregation Database. The lysine at codon 962 is moderately conserved, but computational analyses (SIFT: tolerated, PolyPhen-2: damaging) predict conflicting effects of this variant on protein structure/function. However, given the lack of clinical and functional data, the significance of the p.Lys962Thr variant is uncertain at this time.

Illumina Laboratory Services, Illumina
Classification: Benign for Focal segmental glomerulosclerosis 5. Last evaluated: 2018-01-12. Review status: criteria provided, single submitter. Criteria: ICSL Variant Classification Criteria 13 December 2019. Collection method: clinical testing. Allele origin: germline.
Comment: This variant was observed in the ICSL laboratory as part of a predisposition screen in an ostensibly healthy population. It had not been previously curated by ICSL or reported in the Human Gene Mutation Database (HGMD: prior to June 1st, 2018), and was therefore a candidate for classification through an automated scoring system. Utilizing variant allele frequency, disease prevalence and penetrance estimates, and inheritance mode, an automated score was calculated to assess if this variant is too frequent to cause the disease. Based on the score and internal cut-off values, a variant classified as benign is not then subjected to further curation. The score for this variant resulted in a classification of benign for this disease.